The following is an entry in ClinVar:

ClinVar aggregate classification (germline): Likely benign. Review status: criteria provided, multiple submitters, no conflicts (2 of 4 stars). 3 submissions from 3 submitters: Likely benign (3). Last evaluated 2025-08-02.

Conditions:
SNRNP200-related disorder. Also called: SNRNP200-related condition.

Allele frequency attached by ClinVar (database versions not stated): gnomAD exomes 0.00003; TOPMed 0.00003; ExAC 0.00005.
gnomAD v4.1: 45 of 1,613,994 alleles (0.0028%); highest among the groups gnomAD compares: Middle Eastern, 0.033%; 1 homozygote.

Submissions (3):

PreventionGenetics, part of Exact Sciences
Classification: Likely benign for SNRNP200-related condition. Last evaluated: 2025-08-02. Review status: criteria provided, single submitter. Criteria: ACMG Guidelines, 2015. Collection method: clinical testing. Allele origin: germline.
Comment: This variant is classified as likely benign based on ACMG/AMP sequence variant interpretation guidelines (Richards et al. 2015 PMID: 25741868, with internal and published modifications).

Labcorp Genetics (formerly Invitae), Labcorp
Classification: Likely benign. Last evaluated: 2025-06-27. Review status: criteria provided, single submitter. Criteria: Invitae Variant Classification Sherloc (09022015). Collection method: clinical testing. Allele origin: germline.

Blueprint Genetics
Classification: Likely benign. Last evaluated: 2020-05-22. Review status: criteria provided, single submitter. Criteria: ACMG Guidelines, 2015. Collection method: clinical testing. Allele origin: germline.

NM_014014.5(SNRNP200):c.375G>C (p.Gly125=)

Gene: SNRNP200 (small nuclear ribonucleoprotein U5 subunit 200; minus strand). Cytogenetic location: 2q11.2.
Variant type: single nucleotide variant.
Coding change: c.375G>C on transcript NM_014014.5 (MANE Select); coding-DNA position 375, G replaced by C.
Protein change: p.Gly125=; no amino-acid change (glycine 125 retained).
Molecular consequence: synonymous variant.
Genome position (GRCh38, 1-based): chr2:96,303,165, C>G on the plus strand (G>C on the coding strand, the complement: SNRNP200 is on the minus strand). VCF-style: chr2-96303165-C-G. GRCh37 (hg19) VCF-style: chr2-96968903-C-G.
Other names: c.375G>C (NM_014014.4).
Identifiers: ClinVar variation 1987876 (VCV001987876.6), dbSNP rs777404377, ClinGen allele CA1779206.